The following is an entry in ClinVar:

ClinVar aggregate classification (germline): Uncertain significance (1 of 4 stars; one submission).

Conditions:
Hypertrophic cardiomyopathy. Also called: HYPERTROPHIC MYOCARDIOPATHY. Identifiers: Orphanet 217569, MedGen C0007194, MeSH D002312, MONDO:0005045, HP:0001639.

Submission:

Labcorp Genetics (formerly Invitae), Labcorp
Classification: Uncertain significance for Hypertrophic cardiomyopathy. Last evaluated: 2022-10-05. Review status: criteria provided, single submitter. Criteria: Invitae Variant Classification Sherloc (09022015). Collection method: clinical testing. Allele origin: germline.
Comment: Variants that disrupt the consensus splice site are a relatively common cause of aberrant splicing (PMID: 17576681, 9536098). Algorithms developed to predict the effect of sequence changes on RNA splicing suggest that this variant may disrupt the consensus splice site. In summary, the available evidence is currently insufficient to determine the role of this variant in disease. Therefore, it has been classified as a Variant of Uncertain Significance. Algorithms developed to predict the effect of missense changes on protein structure and function are either unavailable or do not agree on the potential impact of this missense change (SIFT: "Deleterious"; PolyPhen-2: "Benign"; Align-GVGD: "Class C25"). ClinVar contains an entry for this variant (Variation ID: 1367465). This variant has not been reported in the literature in individuals affected with MYBPC3-related conditions. This variant is not present in population databases (gnomAD no frequency). This sequence change affects codon 9 of the MYBPC3 mRNA. It is a 'silent' change, meaning that it does not change the encoded amino acid sequence of the MYBPC3 protein. This variant also falls at the last nucleotide of exon 1, which is part of the consensus splice site for this exon.

Literature cited by the submitters: PubMed 17576681; PubMed 9536098.

NM_000256.3(MYBPC3):c.25G>A (p.Val9Ile)

Gene: MYBPC3 (myosin binding protein C3; minus strand). Cytogenetic location: 11p11.2.
Variant type: single nucleotide variant.
Coding change: c.25G>A on transcript NM_000256.3 (MANE Select); coding-DNA position 25, G replaced by A.
Protein change: p.Val9Ile; replaces valine 9 with isoleucine.
Molecular consequence: missense variant.
Genome position (GRCh38, 1-based): chr11:47,352,623, C>T on the plus strand (G>A on the coding strand, the complement: MYBPC3 is on the minus strand). VCF-style: chr11-47352623-C-T. GRCh37 (hg19) VCF-style: chr11-47374174-C-T.
Other names: short protein forms V9I.
Identifiers: ClinVar variation 1367465 (VCV001367465.6), dbSNP rs1064793201, ClinGen allele CA380342716.